The following is an entry in ClinVar:

ClinVar aggregate classification (germline): Benign (1 of 4 stars; one submission).

Allele frequency attached by ClinVar (database versions not stated): gnomAD 0.05930 and 0.06193; TOPMed 0.06720; 1000 Genomes Project 30x 0.07480; 1000 Genomes Project 0.07688.
gnomAD v4.1: 9,460 of 152,174 alleles (6.2%); highest among the groups gnomAD compares: South Asian, 12%; 351 homozygotes.

Submission:

GeneDx
Classification: Benign. Last evaluated: 2018-06-14. Review status: criteria provided, single submitter. Criteria: GeneDx Variant Classification (06012015). Collection method: clinical testing. Allele origin: germline. Affected: yes.
Comment: This variant is considered likely benign or benign based on one or more of the following criteria: it is a conservative change, it occurs at a poorly conserved position in the protein, it is predicted to be benign by multiple in silico algorithms, and/or has population frequency not consistent with disease.

NM_001127644.2(GABRA1):c.1060-245C>T

Gene: GABRA1 (gamma-aminobutyric acid type A receptor subunit alpha1; plus strand). Cytogenetic location: 5q34.
Variant type: single nucleotide variant.
Coding change: c.1060-245C>T on transcript NM_001127644.2 (MANE Select); 245 bases into the intron before coding-DNA position 1060, C replaced by T.
Molecular consequence: intron variant.
Genome position (GRCh38, 1-based): chr5:161,896,866, C>T. VCF-style: chr5-161896866-C-T. GRCh37 (hg19) VCF-style: chr5-161323872-C-T.
Other names: c.1060-245C>T (NM_000806.5, NM_001127643.2, NM_001127645.2 and 1 more transcripts).
Identifiers: ClinVar variation 681725 (VCV000681725.1), dbSNP rs4144483, ClinGen allele CA131087889.